The following is an entry in ClinVar:

NM_014112.5(TRPS1):c.3691G>A (p.Val1231Met)

Gene: TRPS1 (transcriptional repressor GATA binding 1; minus strand). Cytogenetic location: 8q23.3.
Variant type: single nucleotide variant.
Coding change: c.3691G>A on transcript NM_014112.5 (MANE Select); coding-DNA position 3691, G replaced by A.
Protein change: p.Val1231Met; replaces valine 1231 with methionine.
Molecular consequence: missense variant.
Genome position (GRCh38, 1-based): chr8:115,414,217, C>T on the plus strand (G>A on the coding strand, the complement: TRPS1 is on the minus strand). VCF-style: chr8-115414217-C-T. GRCh37 (hg19) VCF-style: chr8-116426445-C-T.
Other names: c.3664G>A, p.Val1222Met (NM_001282902.3); c.3670G>A, p.Val1224Met (NM_001282903.3); c.3652G>A, p.Val1218Met (NM_001330599.2); short protein forms V1224M, V1231M, V1218M, V1222M.
Identifiers: ClinVar variation 4994756 (VCV004994756.1).
Genomic context (GRCh38, chr8:115,414,217, plus strand): 5'-CATGGCAACTCATATGCAAAGCATACATCACTTCATCCAGAAAGACAATGCCACAGTGCA[C>T]ACATTTTGTTGAAAGTTCATCTTGAGTACTTCTATCAACTTTCTCTGTTTTTACTACATT-3'
Protein context (NP_054831.2, residues 1221-1241): STQDELSTKC[Val1231Met]HCGIVFLDEV

ClinVar aggregate classification (germline): Uncertain significance (1 of 4 stars; one submission).

Conditions:
TRPS1-related disorder. Also called: TRPS1-related condition.

Submission:

PreventionGenetics, part of Exact Sciences
Classification: Uncertain significance for TRPS1-related condition. Last evaluated: 2025-11-19. Review status: criteria provided, single submitter. Criteria: ACMG Guidelines, 2015. Collection method: clinical testing. Allele origin: germline.
Comment: The TRPS1 c.3691G>A variant is predicted to result in the amino acid substitution p.Val1231Met. This variant has been reported in association with congenital heart disease (Kosmicki et al. 2017. PubMed ID: 28191890; Edwards et al. 2020. PubMed ID: 32368696). This variant has not been reported in a large population database (gnomAD), indicating this variant is rare. At this time, the clinical significance of this variant is uncertain due to the absence of conclusive functional and genetic evidence.